The following is an entry in ClinVar:

NM_004329.3(BMPR1A):c.1447G>T (p.Val483Leu)

Gene: BMPR1A (bone morphogenetic protein receptor type 1A; plus strand). Cytogenetic location: 10q23.2.
Variant type: single nucleotide variant.
Coding change: c.1447G>T on transcript NM_004329.3 (MANE Select); coding-DNA position 1447, G replaced by T.
Protein change: p.Val483Leu; replaces valine 483 with leucine.
Molecular consequence: missense variant. On other transcripts: non-coding transcript variant (3).
Genome position (GRCh38, 1-based): chr10:86,923,480, G>T. VCF-style: chr10-86923480-G-T. GRCh37 (hg19) VCF-style: chr10-88683237-G-T.
Other names: c.1447G>T, p.Val483Leu (NM_001406582.1, NM_001406561.1, NM_001406562.1 and 19 more transcripts); c.1441G>T, p.Val481Leu (NM_001406583.1); c.1363G>T, p.Val455Leu (NM_001406584.1, NM_001406585.1, NM_001406586.1 and 2 more transcripts); c.1105G>T, p.Val369Leu (NM_001406589.1); c.1522G>T, p.Val508Leu (NM_001406559.1); c.1495G>T, p.Val499Leu (NM_001406560.1); short protein forms V369L, V455L, V481L, V483L, V499L, V508L.
Identifiers: ClinVar variation 4806746 (VCV004806746.1).

ClinVar aggregate classification (germline): Uncertain significance (1 of 4 stars; one submission).

Conditions:
Juvenile polyposis syndrome (JPS). Identifiers: Orphanet 2929, MedGen C0345893, MONDO:0017380, OMIM 174900.

Submission:

Labcorp Genetics (formerly Invitae), Labcorp
Classification: Uncertain significance for Juvenile polyposis syndrome. Last evaluated: 2025-11-25. Review status: criteria provided, single submitter. Criteria: Invitae Variant Classification Sherloc (09022015). Collection method: clinical testing. Allele origin: germline.
Comment: This sequence change replaces valine, which is neutral and non-polar, with leucine, which is neutral and non-polar, at codon 483 of the BMPR1A protein (p.Val483Leu). This variant is not present in population databases (gnomAD no frequency). This variant has not been reported in the literature in individuals affected with BMPR1A-related conditions. Invitae Evidence Modeling of protein sequence and biophysical properties (such as structural, functional, and spatial information, amino acid conservation, physicochemical variation, residue mobility, and thermodynamic stability) indicates that this missense variant is not expected to disrupt BMPR1A protein function with a negative predictive value of 80%. In summary, the available evidence is currently insufficient to determine the role of this variant in disease. Therefore, it has been classified as a Variant of Uncertain Significance.